The following is an entry in ClinVar:

NM_004064.5(CDKN1B):c.328A>G (p.Ser110Gly)

Gene: CDKN1B (cyclin dependent kinase inhibitor 1B; plus strand). Cytogenetic location: 12p13.1.
Variant type: single nucleotide variant.
Coding change: c.328A>G on transcript NM_004064.5 (MANE Select); coding-DNA position 328, A replaced by G.
Protein change: p.Ser110Gly; replaces serine 110 with glycine.
Molecular consequence: missense variant.
Genome position (GRCh38, 1-based): chr12:12,718,167, A>G. VCF-style: chr12-12718167-A-G. GRCh37 (hg19) VCF-style: chr12-12871101-A-G.
Other names: short protein forms S110G.
Identifiers: ClinVar variation 1729819 (VCV001729819.2), dbSNP rs1820542387, ClinGen allele CA383970239.

ClinVar aggregate classification (germline): Uncertain significance (1 of 4 stars; one submission).

Conditions:
Hereditary cancer-predisposing syndrome. Also called: Neoplastic Syndromes, Hereditary; Tumor predisposition; Hereditary Cancer Syndrome; Hereditary neoplastic syndrome. Identifiers: Orphanet 140162, MedGen C0027672, MeSH D009386, MONDO:0015356.

Allele frequency attached by ClinVar (database versions not stated): TOPMed below 0.00001.

Submission:

Ambry Genetics
Classification: Uncertain significance for Hereditary cancer-predisposing syndrome. Last evaluated: 2022-05-10. Review status: criteria provided, single submitter. Criteria: Ambry Variant Classification Scheme 2023. Collection method: clinical testing. Allele origin: germline.
Comment: The p.S110G variant (also known as c.328A>G), located in coding exon 1 of the CDKN1B gene, results from an A to G substitution at nucleotide position 328. The serine at codon 110 is replaced by glycine, an amino acid with similar properties. This amino acid position is conserved. In addition, this alteration is predicted to be tolerated by in silico analysis. Since supporting evidence is limited at this time, the clinical significance of this alteration remains unclear.